The following continues an entry in ClinVar:

NM_001384732.1(CPLANE1):c.1819del (p.Tyr607fs)

Gene: CPLANE1. ClinVar aggregate classification (germline): Pathogenic/Likely pathogenic. Pathogenic (23); Likely pathogenic (4).

Submissions 14 to 31 of 31:

Blueprint Genetics
Classification: Pathogenic for C5ORF42 & CPLANE1-related disorders. Last evaluated: 2024-09-16. Review status: criteria provided, single submitter. Criteria: ACMG Guidelines, 2015. Collection method: clinical testing. Allele origin: germline. Affected: yes. Observed: 5 variant alleles.

Cytogenetics and Genomics Lab, Cyprus Institute Of Neurology and Genetics
Classification: Likely pathogenic for Joubert syndrome 17. Last evaluated: 2024-07-20. Review status: criteria provided, single submitter. Criteria: ACGS Guidelines, 2020. Collection method: research. Allele origin: maternal. Affected: yes.
Comment: This is a null variant in a gene where loss-of-function is a known mechnism of disease (PVS1_very strong). It is also found in extremely low frequency in gnomAD population databases (PM2_supporting). The variant was found in compound heterozygous state with NM_001384732.1:c.8633-4_8633-3del.

Clinical Genetics Laboratory, Skane University Hospital Lund
Classification: Pathogenic. Last evaluated: 2022-09-23. Review status: criteria provided, single submitter. Criteria: ACMG Guidelines, 2015. Collection method: clinical testing. Allele origin: germline. Affected: yes.

Department of Pathology and Laboratory Medicine, Sinai Health System
Classification: Pathogenic for Orofaciodigital syndrome type 6; Joubert syndrome 17. Last evaluated: 2022-02-24. Review status: criteria provided, single submitter. Criteria: ACMG Guidelines, 2015. Collection method: research. Allele origin: germline.

Ambry Genetics
Classification: Pathogenic for Inborn genetic diseases. Last evaluated: 2021-09-02. Review status: criteria provided, single submitter. Criteria: Ambry Variant Classification Scheme 2023. Collection method: clinical testing. Allele origin: germline.
Comment: The c.1819delT (p.Y607Tfs*6) alteration, located in exon 12 (coding exon 11) of the C5orf42 gene, consists of a deletion of one nucleotide at position 1819, causing a translational frameshift with a predicted alternate stop codon after 6 amino acids. This alteration is expected to result in loss of function by premature protein truncation or nonsense-mediated mRNA decay. This alteration has been reported in the compound heterozygous state with a second C5orf42 alteration in a patient with Joubert syndrome (Bachmann-Gagescu, 2015). Based on the available evidence, this alteration is classified as pathogenic.

Laboratory of Medical Genetics, National & Kapodistrian University of Athens
Classification: Pathogenic for Joubert syndrome 17. Last evaluated: 2021-08-10. Review status: criteria provided, single submitter. Criteria: ACMG Guidelines, 2015. Collection method: clinical testing. Allele origin: unknown. Affected: yes.
Comment: PVS1, PM2, PP3, PP5

Fulgent Genetics
Classification: Pathogenic for Orofaciodigital syndrome type 6; Joubert syndrome 17. Last evaluated: 2021-06-30. Review status: criteria provided, single submitter. Criteria: ACMG Guidelines, 2015. Collection method: clinical testing. Allele origin: unknown.
Comment: This variant has been detected in individual(s) who were sent for testing of Renasight - kidney gene panel.

New York Genome Center
Classification: Pathogenic for Joubert syndrome 17; Orofaciodigital syndrome type 6. Last evaluated: 2021-02-05. Review status: criteria provided, single submitter. Criteria: NYGC Assertion Criteria 2020. Collection method: clinical testing. Allele origin: inherited. Observed: 1 heterozygote. Study: CSER-NYCKidSeq.

Mendelics
Classification: Pathogenic for Joubert syndrome 17. Last evaluated: 2020-09-15. Review status: criteria provided, single submitter. Criteria: Mendelics Assertion Criteria 2017. Collection method: clinical testing. Allele origin: unknown.

Centre for Mendelian Genomics, University Medical Centre Ljubljana
Classification: Pathogenic for Orofaciodigital syndrome type 6. Last evaluated: 2019-04-18. Review status: criteria provided, single submitter. Criteria: ACMG Guidelines, 2015. Collection method: clinical testing. Allele origin: unknown. Affected: yes.
Comment: This variant was classified as: Pathogenic. The following ACMG criteria were applied in classifying this variant: PVS1,PM2,PP5.

Institute of Human Genetics, University of Leipzig Medical Center
Classification: Likely pathogenic for Joubert syndrome 17. Last evaluated: 2019-01-01. Review status: criteria provided, single submitter. Criteria: ACMG Guidelines, 2015. Collection method: clinical testing. Allele origin: unknown. Affected: yes.
Comment: This variant was identified as compound heterozygous.

Genetic Services Laboratory, University of Chicago
Classification: Pathogenic for Joubert syndrome 17. Last evaluated: 2015-08-26. Review status: criteria provided, single submitter. Criteria: ACMG Guidelines, 2015. Collection method: clinical testing. Allele origin: germline. Affected: yes.

UW Hindbrain Malformation Research Program, University of Washington
Classification: Pathogenic for Joubert syndrome 17. Last evaluated: 2015-02-23. Review status: criteria provided, single submitter. Criteria: Bachmann-Gagescu et al. (J Med Genet. 2015). Collection method: research. Allele origin: unknown. Affected: yes.

Centre for Mendelian Genomics, University Medical Centre Ljubljana
Classification: Pathogenic for Global developmental delay; Jaundice. Last evaluated: 2013-11-28. Review status: criteria provided, single submitter. Criteria: ACMG Guidelines, 2015. Collection method: clinical testing. Allele origin: unknown. Affected: yes.

PreventionGenetics, part of Exact Sciences
Classification: Pathogenic for CPLANE1-related condition. Last evaluated: 2024-01-08. Review status: no assertion criteria provided. Collection method: clinical testing. Allele origin: germline. Not counted in ClinVar's aggregate classification.
Comment: The CPLANE1 c.1819delT variant is predicted to result in a frameshift and premature protein termination (p.Tyr607Thrfs*6). This variant has previously been reported in the compound heterozygous state in individuals with Joubert syndrome (Bachmann-Gagescu et al. 2015. PubMed ID: 26092869; Table 1, Vilboux T et al 2017. PubMed ID: 28125082). This variant is reported in 0.024% of alleles in individuals of European (Non-Finnish) descent in gnomAD. Frameshift variants in CPLANE1 are expected to be pathogenic. This variant is interpreted as pathogenic.

Sydney Genome Diagnostics, Children's Hospital Westmead
Classification: Likely pathogenic for Nephronophthisis. Last evaluated: 2018-05-31. Review status: no assertion criteria provided. Collection method: clinical testing. Allele origin: unknown. Affected: yes. Observed: 1 variant allele, 1 compound heterozygote. Not counted in ClinVar's aggregate classification.
Comment: c.1819del (dbSNP: rs777686211) has been reported in the ExAC database with a low allele frequency of 0.024% (5/20526 alleles) and has also been reported as a compound heterozygous variant in a patient with Joubert syndrome (Bachmann-Gagescu et al. J.Med. Genet 2015; 52:514-522). This frameshifting variant is predicted to create a premature stop codon (p.Tyr607Thrfs*6) and may result in a null allele due to nonsense-mediated mRNA decay. This variant is considered to be a likely pathogenic according to the ACMG guidelines.

Clinical Genetics DNA and cytogenetics Diagnostics Lab, Erasmus MC, Erasmus Medical Center
Classification: Pathogenic. Review status: no assertion criteria provided. Collection method: clinical testing. Allele origin: germline. Affected: yes. Study: VKGL Data-share Consensus. Not counted in ClinVar's aggregate classification.

Joint Genome Diagnostic Labs from Nijmegen and Maastricht, Radboudumc and MUMC+
Classification: Pathogenic. Review status: no assertion criteria provided. Collection method: clinical testing. Allele origin: germline. Affected: yes. Study: VKGL Data-share Consensus. Not counted in ClinVar's aggregate classification.

Literature cited by the submitters: PubMed 26092869 (cited by 6 submitters); PubMed 28125082 (cited by 3 submitters); PubMed 24178751 (cited by Labcorp Genetics (formerly Invitae), Labcorp); PubMed 34008892 (cited by Laboratory of Medical Genetics, National & Kapodistrian University of Athens).